The following is an entry in ClinVar:

NM_032638.5(GATA2):c.*410C>T

Gene: GATA2 (GATA binding protein 2; minus strand). Cytogenetic location: 3q21.3.
Variant type: single nucleotide variant.
Coding change: c.*410C>T on transcript NM_032638.5 (MANE Select); 410 bases downstream of the stop codon, C replaced by T.
Molecular consequence: 3 prime UTR variant.
Genome position (GRCh38, 1-based): chr3:128,480,609, G>A on the plus strand (C>T on the coding strand, the complement: GATA2 is on the minus strand). VCF-style: chr3-128480609-G-A. GRCh37 (hg19) VCF-style: chr3-128199452-G-A.
Other names: c.*410C>T (NM_001145661.2, NM_001145662.1).
Identifiers: ClinVar variation 343126 (VCV000343126.5), dbSNP rs45479594, ClinGen allele CA10615210.

ClinVar aggregate classification (germline): Benign (1 of 4 stars; one submission).

Conditions:
Deafness-lymphedema-leukemia syndrome. Also called: Lymphedema, primary, with myelodysplasia; Emberger syndrome. Identifiers: Orphanet 3226, MedGen C3279664, MONDO:0013540, OMIM 614038.

Allele frequency attached by ClinVar (database versions not stated): gnomAD 0.01387 and 0.01476; 1000 Genomes Project 30x 0.00812; TOPMed 0.01518; 1000 Genomes Project 0.00839; gnomAD exomes 0.01834.
gnomAD v4.1: 4,440 of 273,346 alleles (1.6%); highest among the groups gnomAD compares: Middle Eastern, 3.2%; 61 homozygotes.

Submission:

Illumina Laboratory Services, Illumina
Classification: Benign for Deafness-lymphedema-leukemia syndrome. Last evaluated: 2018-01-13. Review status: criteria provided, single submitter. Criteria: ICSL Variant Classification Criteria 13 December 2019. Collection method: clinical testing. Allele origin: germline.
Comment: This variant was observed in the ICSL laboratory as part of a predisposition screen in an ostensibly healthy population. It had not been previously curated by ICSL or reported in the Human Gene Mutation Database (HGMD: prior to June 1st, 2018), and was therefore a candidate for classification through an automated scoring system. Utilizing variant allele frequency, disease prevalence and penetrance estimates, and inheritance mode, an automated score was calculated to assess if this variant is too frequent to cause the disease. Based on the score and internal cut-off values, a variant classified as benign is not then subjected to further curation. The score for this variant resulted in a classification of benign for this disease.